The following is an entry in ClinVar:

ClinVar aggregate classification (germline): Likely benign (1 of 4 stars; one submission).

Conditions:
Catecholaminergic polymorphic ventricular tachycardia (CVPT). Also called: Catecholamine-induced polymorphic ventricular tachycardia. Identifiers: Orphanet 3286, MedGen C5574922, MONDO:0017990.

Submission:

All of Us Research Program, National Institutes of Health
Classification: Likely benign for Catecholaminergic polymorphic ventricular tachycardia. Last evaluated: 2024-07-20. Review status: criteria provided, single submitter. Criteria: ACMG Guidelines, 2015. Collection method: clinical testing. Allele origin: germline. Inheritance: Autosomal dominant inheritance. Observed: 1 variant allele, 1 heterozygote.
Comment: This study involves interpretation of variants in research participants for the purpose of population health screening. Participant phenotype was not available at the time of variant classification. Additional details can be found in publication PMID: 35346344, PMCID: PMC8962531

NM_001035.3(RYR2):c.1767T>C (p.Ile589=)

Gene: RYR2 (ryanodine receptor 2; plus strand). Cytogenetic location: 1q43.
Variant type: single nucleotide variant.
Coding change: c.1767T>C on transcript NM_001035.3 (MANE Select); coding-DNA position 1767, T replaced by C.
Protein change: p.Ile589=; no amino-acid change (isoleucine 589 retained).
Molecular consequence: synonymous variant.
Genome position (GRCh38, 1-based): chr1:237,491,864, T>C. VCF-style: chr1-237491864-T-C. GRCh37 (hg19) VCF-style: chr1-237655164-T-C.
Identifiers: ClinVar variation 3385675 (VCV003385675.1).